The following is an entry in ClinVar:

ClinVar aggregate classification (germline): Uncertain significance. Review status: criteria provided, multiple submitters, no conflicts (2 of 4 stars). 5 submissions from 5 submitters: Uncertain significance (5). Last evaluated 2024-11-04.

Conditions:
DCDC2-related disorder. Also called: DCDC2-related condition.
Autosomal recessive nonsyndromic hearing loss 66 (DFNB66). Also called: Deafness, autosomal recessive 66. Identifiers: Orphanet 90636, MedGen C1857750, MONDO:0012442, OMIM 610212.
Nephronophthisis 19 (NPHP19). Identifiers: Orphanet 84081, MedGen C4015542, MONDO:0014537, OMIM 616217.
Isolated neonatal sclerosing cholangitis (NSC). Also called: Sclerosing cholangitis, neonatal. Identifiers: Orphanet 480556, MedGen C4479344, MONDO:0018816, OMIM 617394.
Inborn genetic diseases. Identifiers: MedGen C0950123, MeSH D030342.

Allele frequency attached by ClinVar (database versions not stated): 1000 Genomes Project 30x 0.00016; 1000 Genomes Project 0.00020.
gnomAD v4.1: 23 of 1,614,090 alleles (0.0014%); highest among the groups gnomAD compares: South Asian, 0.013%; no homozygotes.

Submissions (5):

PreventionGenetics, part of Exact Sciences
Classification: Uncertain significance for DCDC2-related condition. Last evaluated: 2024-11-04. Review status: criteria provided, single submitter. Criteria: ACMG Guidelines, 2015. Collection method: clinical testing. Allele origin: germline.
Comment: The DCDC2 c.967G>C variant is predicted to result in the amino acid substitution p.Gly323Arg. To our knowledge, this variant has not been reported in the literature. This variant is reported in 0.023% of alleles in individuals of South Asian descent in gnomAD. At this time, the clinical significance of this variant is uncertain due to the absence of conclusive functional and genetic evidence.

Fulgent Genetics
Classification: Uncertain significance for Autosomal recessive nonsyndromic hearing loss 66; Nephronophthisis 19; Isolated neonatal sclerosing cholangitis. Last evaluated: 2024-01-02. Review status: criteria provided, single submitter. Criteria: ACMG Guidelines, 2015. Collection method: clinical testing. Allele origin: germline.

GeneDx
Classification: Uncertain significance. Last evaluated: 2023-10-26. Review status: criteria provided, single submitter. Criteria: GeneDx Variant Classification Process June 2021. Collection method: clinical testing. Allele origin: germline. Affected: yes.
Comment: In silico analysis supports that this missense variant has a deleterious effect on protein structure/function; Has not been previously published as pathogenic or benign to our knowledge

Ambry Genetics
Classification: Uncertain significance for Inborn genetic diseases. Last evaluated: 2023-03-07. Review status: criteria provided, single submitter. Criteria: Ambry Variant Classification Scheme 2023. Collection method: clinical testing. Allele origin: germline.

Foundation for Research in Genetics and Endocrinology, FRIGE's Institute of Human Genetics
Classification: Uncertain significance for Autosomal recessive nonsyndromic hearing loss 66. Last evaluated: 2021-09-27. Review status: criteria provided, single submitter. Criteria: ACMG Guidelines, 2015. Collection method: clinical testing. Allele origin: germline. Inheritance: Autosomal recessive inheritance. Affected: yes. Observed: 1 homozygote.
Comment: A homozygous missense variation in exon 8 of the DCDC2 gene that results in the amino acid substitution of Arginine for Glycine at codon 323 was detected. The observed variant c.967G>C (p.Gly323Arg) has a minor allele frequency of 0.01% and 0.0006% in the 1000 genomes and gnomAD database respectively. The in silico predictions of the variant are possibly damaging by PolyPhen-2 (HumDiv) and damaging by SIFT and LRT. The reference codon is conserved across species. In summary, the variant meets our criteria to be classified as a variant of uncertain significance.

NM_016356.5(DCDC2):c.967G>C (p.Gly323Arg)

Gene: DCDC2 (doublecortin domain containing 2; minus strand). Cytogenetic location: 6p22.3.
Variant type: single nucleotide variant.
Coding change: c.967G>C on transcript NM_016356.5 (MANE Select); coding-DNA position 967, G replaced by C.
Protein change: p.Gly323Arg; replaces glycine 323 with arginine.
Molecular consequence: missense variant.
Genome position (GRCh38, 1-based): chr6:24,205,058, C>G on the plus strand (G>C on the coding strand, the complement: DCDC2 is on the minus strand). VCF-style: chr6-24205058-C-G. GRCh37 (hg19) VCF-style: chr6-24205286-C-G.
Other names: p.Gly323Arg; c.967G>C (NM_016356.3, NM_016356.4); c.967G>C, p.Gly323Arg (NM_001195610.2); short protein forms G323R.
Identifiers: ClinVar variation 1342839 (VCV001342839.8), dbSNP rs146587418, ClinGen allele CA3654550.